The following is an entry in ClinVar:

NM_020911.2(PLXNA4):c.3523G>A (p.Gly1175Ser)

Gene: PLXNA4 (plexin A4; minus strand). Cytogenetic location: 7q32.3.
Variant type: single nucleotide variant.
Coding change: c.3523G>A on transcript NM_020911.2 (MANE Select); coding-DNA position 3523, G replaced by A.
Protein change: p.Gly1175Ser; replaces glycine 1175 with serine.
Molecular consequence: missense variant.
Genome position (GRCh38, 1-based): chr7:132,180,702, C>T on the plus strand (G>A on the coding strand, the complement: PLXNA4 is on the minus strand). VCF-style: chr7-132180702-C-T. GRCh37 (hg19) VCF-style: chr7-131865461-C-T.
Other names: c.3523G>A, p.Gly1175Ser (NM_001393897.1); short protein forms G1175S.
Identifiers: ClinVar variation 5000988 (VCV005000988.1).

ClinVar aggregate classification (germline): Uncertain significance (1 of 4 stars; one submission).

Conditions:
PLXNA4-related disorder. Also called: PLXNA4-related condition.

Submission:

PreventionGenetics, part of Exact Sciences
Classification: Uncertain significance for PLXNA4-related condition. Last evaluated: 2025-08-05. Review status: criteria provided, single submitter. Criteria: ACMG Guidelines, 2015. Collection method: clinical testing. Allele origin: germline.
Comment: The PLXNA4 c.3523G>A variant is predicted to result in the amino acid substitution p.Gly1175Ser. To our knowledge, this variant has not been reported in the literature or in a large population database (gnomAD), indicating this variant is rare. At this time, the clinical significance of this variant is uncertain due to the absence of conclusive functional and genetic evidence.